The following is an entry in ClinVar:

ClinVar aggregate classification (germline): Likely pathogenic. Review status: criteria provided, multiple submitters, no conflicts (2 of 4 stars). 2 submissions from 2 submitters: Likely pathogenic (2). Last evaluated 2024-10-24.

Conditions:
Charcot-Marie-Tooth disease type 4. Also called: Charcot-Marie-Tooth disease, type IV; Charcot-Marie-Tooth, Type 4. Identifiers: Orphanet 64749, MedGen C4082197, MONDO:0018995.
Inborn genetic diseases. Identifiers: MedGen C0950123, MeSH D030342.

Submissions (2):

Labcorp Genetics (formerly Invitae), Labcorp
Classification: Likely pathogenic for Charcot-Marie-Tooth disease type 4. Last evaluated: 2024-10-24. Review status: criteria provided, single submitter. Criteria: Invitae Variant Classification Sherloc (09022015). Collection method: clinical testing. Allele origin: germline.
Comment: This variant results in the deletion of part of exon 15 (c.1749_1750+7del) of the FIG4 gene. It is expected to disrupt RNA splicing. Variants that disrupt the donor or acceptor splice site typically lead to a loss of protein function (PMID: 16199547), and loss-of-function variants in FIG4 are known to be pathogenic (PMID: 23623387, 30740813). This variant is not present in population databases (gnomAD no frequency). This variant has not been reported in the literature in individuals affected with FIG4-related conditions. ClinVar contains an entry for this variant (Variation ID: 944687). In summary, the currently available evidence indicates that the variant is pathogenic, but additional data are needed to prove that conclusively. Therefore, this variant has been classified as Likely Pathogenic.

Ambry Genetics
Classification: Likely pathogenic for Inborn genetic diseases. Last evaluated: 2019-12-06. Review status: criteria provided, single submitter. Criteria: Ambry Variant Classification Scheme 2023. Collection method: clinical testing. Allele origin: germline.
Comment: The c.1749_1750+7delAGGTAATTC likely pathogenic mutation, which spans coding exon 15 and intron 15 of the FIG4 gene, results from the deletion of 9 nucleotides. This nucleotide position is not well conserved in available vertebrate species. Using the BDGP and ESEfinder splice site prediction tools, this alteration is predicted to abolish the native donor splice site; however, direct evidence is unavailable. Alterations that disrupt the canonical splice site are expected to cause aberrant splicing, resulting in an abnormal protein or a transcript that is subject to nonsense-mediated mRNA decay. As such, this alteration is classified as likely pathogenic.

Literature cited by the submitters: PubMed 16199547 (cited by Labcorp Genetics (formerly Invitae), Labcorp); PubMed 23623387 (cited by Labcorp Genetics (formerly Invitae), Labcorp); PubMed 30740813 (cited by Labcorp Genetics (formerly Invitae), Labcorp).

NM_014845.6(FIG4):c.1749_1750+7del

Gene: FIG4 (FIG4 phosphoinositide 5-phosphatase; plus strand). Cytogenetic location: 6q21.
Variant type: Deletion.
Coding change: c.1749_1750+7del on transcript NM_014845.6 (MANE Select); coding-DNA position 1749 through 7 bases into the intron after coding-DNA position 1750, 9 bases deleted (AGGTAATTC; older notation c.1749_1750+7delAGGTAATTC).
Molecular consequence: splice donor variant.
Genome position (GRCh38, 1-based): chr6:109,766,894-109,766,902, AGGTAATTC deleted; deleting any 9 consecutive bases within chr6:109,766,891-109,766,902 gives the same sequence; the c. name uses the placement nearest the transcript's 3' end. VCF-style (leftmost placement, unchanged base first): chr6-109766890-TTTCAGGTAA-T. GRCh37 (hg19) VCF-style: chr6-110088093-TTTCAGGTAA-T.
Other names: c.1749_1750+7delAGGTAATTC (NM_014845.5).
Identifiers: ClinVar variation 944687 (VCV000944687.9), dbSNP rs1777296419, ClinGen allele CA1139659765.